The following is an entry in ClinVar:

NM_001199138.2(NLRC4):c.173T>C (p.Ile58Thr)

Gene: NLRC4 (NLR family CARD domain containing 4; minus strand). Cytogenetic location: 2p22.3.
Variant type: single nucleotide variant.
Coding change: c.173T>C on transcript NM_001199138.2 (MANE Select); coding-DNA position 173, T replaced by C.
Protein change: p.Ile58Thr; replaces isoleucine 58 with threonine.
Molecular consequence: missense variant.
Genome position (GRCh38, 1-based): chr2:32,252,508, A>G on the plus strand (T>C on the coding strand, the complement: NLRC4 is on the minus strand). VCF-style: chr2-32252508-A-G. GRCh37 (hg19) VCF-style: chr2-32477577-A-G.
Other names: c.173T>C, p.Ile58Thr (NM_001199139.2, NM_001302504.2, NM_021209.5); short protein forms I58T.
Identifiers: ClinVar variation 4793830 (VCV004793830.1).
Genomic context (GRCh38, chr2:32,252,508, plus strand): 5'-TAGTTCCACTCCTTAAGGGATTTAAGAAAGAGGTTACAGGACTCTGAACCCTTTTTCAAA[A>G]TCATGTGAATGATCCCTCTAGCAGCATCCTGCTCCACCTTCTCGCAGCAAATGATGTTTA-3'
Protein context (NP_001186067.1, residues 48-68): QDAARGIIHM[Ile58Thr]LKKGSESCNL

ClinVar aggregate classification (germline): Uncertain significance (1 of 4 stars; one submission).

Conditions:
Periodic fever-infantile enterocolitis-autoinflammatory syndrome. Also called: Autoinflammation with infantile enterocolitis. Identifiers: Orphanet 436166, MedGen C4015067, MONDO:0014472, OMIM 616050.
Familial cold autoinflammatory syndrome 4 (FCAS4). Identifiers: Orphanet 47045, Orphanet 576349, MedGen C4015276, MONDO:0014498, OMIM 616115.

gnomAD v4.1: 4 of 1,613,836 alleles (0.00025%); highest among the groups gnomAD compares: Non-Finnish European, 0.00034%; no homozygotes.

Submission:

Labcorp Genetics (formerly Invitae), Labcorp
Classification: Uncertain significance for Periodic fever-infantile enterocolitis-autoinflammatory syndrome; Familial cold autoinflammatory syndrome 4. Last evaluated: 2025-03-27. Review status: criteria provided, single submitter. Criteria: Invitae Variant Classification Sherloc (09022015). Collection method: clinical testing. Allele origin: germline.
Comment: This sequence change replaces isoleucine, which is neutral and non-polar, with threonine, which is neutral and polar, at codon 58 of the NLRC4 protein (p.Ile58Thr). This variant is not present in population databases (gnomAD no frequency). This variant has not been reported in the literature in individuals affected with NLRC4-related conditions. An algorithm developed to predict the effect of missense changes on protein structure and function (PolyPhen-2) suggests that this variant is likely to be tolerated. In summary, the available evidence is currently insufficient to determine the role of this variant in disease. Therefore, it has been classified as a Variant of Uncertain Significance.